The following is an entry in ClinVar:

ClinVar aggregate classification (germline): Likely benign (1 of 4 stars; one submission).

gnomAD v4.1: 682 of 1,604,636 alleles (0.043%); highest among the groups gnomAD compares: African/African-American, 0.8%; 3 homozygotes.

Submission:

CeGaT Center for Human Genetics Tuebingen
Classification: Likely benign. Last evaluated: 2026-06-01. Review status: criteria provided, single submitter. Criteria: CeGaT Center For Human Genetics Tuebingen Variant Classification Criteria Version 2. Collection method: clinical testing. Allele origin: germline. Affected: yes. Observed: 1 variant allele.
Comment: KDM4B: BP4, BS1

NM_015015.3(KDM4B):c.2386-3C>T

Gene: KDM4B (lysine demethylase 4B; plus strand). Cytogenetic location: 19p13.3.
Variant type: single nucleotide variant.
Coding change: c.2386-3C>T on transcript NM_015015.3 (MANE Select); 3 bases into the intron before coding-DNA position 2386, C replaced by T.
Molecular consequence: intron variant.
Genome position (GRCh38, 1-based): chr19:5,137,618, C>T. VCF-style: chr19-5137618-C-T. GRCh37 (hg19) VCF-style: chr19-5137629-C-T.
Other names: c.2488-3C>T (NM_001411148.1).
Identifiers: ClinVar variation 4872623 (VCV004872623.2).
Genomic context (GRCh38, chr19:5,137,618, plus strand): 5'-CCAAGCAGTGTGTGGGGAGCCTGCTCCGAGCCCTGCTCATCCAGGGCTGTCTGGTCTCCA[C>T]AGGAGTGCTGCCTGTGCAACCTGCGAGGAGGTGCGCTGCAGATGACCACCGATAGGAGGT-3'